The following is an entry in ClinVar:

ClinVar aggregate classification (germline): Uncertain significance (1 of 4 stars; one submission).

Conditions:
RAB23-related disorder. Also called: RAB23-related condition.

gnomAD v4.1: 1 of 1,590,646 alleles (0.000063%); highest among the groups gnomAD compares: African/African-American, 0.0013%; no homozygotes.

Submission:

PreventionGenetics, part of Exact Sciences
Classification: Uncertain significance for RAB23-related condition. Last evaluated: 2025-04-23. Review status: criteria provided, single submitter. Criteria: ACMG Guidelines, 2015. Collection method: clinical testing. Allele origin: germline.
Comment: The RAB23 c.163G>A variant is predicted to result in the amino acid substitution p.Asp55Asn. To our knowledge, this variant has not been reported in the literature. This variant is reported in 0.011% of alleles in individuals of African descent in gnomAD. At this time, the clinical significance of this variant is uncertain due to the absence of conclusive functional and genetic evidence.

NM_016277.5(RAB23):c.163G>A (p.Asp55Asn)

Gene: RAB23 (RAB23, member RAS oncogene family; minus strand). Cytogenetic location: 6p11.2.
Variant type: single nucleotide variant.
Coding change: c.163G>A on transcript NM_016277.5 (MANE Select); coding-DNA position 163, G replaced by A.
Protein change: p.Asp55Asn; replaces aspartic acid 55 with asparagine.
Molecular consequence: missense variant.
Genome position (GRCh38, 1-based): chr6:57,207,706, C>T on the plus strand (G>A on the coding strand, the complement: RAB23 is on the minus strand). VCF-style: chr6-57207706-C-T. GRCh37 (hg19) VCF-style: chr6-57072504-C-T.
Other names: c.163G>A, p.Asp55Asn (NM_001278666.2, NM_001278667.2, NM_001278668.2 and 1 more transcripts); short protein forms D55N.
Identifiers: ClinVar variation 4978674 (VCV004978674.1).
Genomic context (GRCh38, chr6:57,207,706, plus strand): 5'-TAATTGCATCAAATTCCTCCTGACCTGCAGTGTCCCATAACATTAGTCTGACATCTTCAT[C>T]ATTAACTCTAAAACAAGAGATGAATTTATTTCATATGTAAAGGAAAATGTTTTTGGTAAT-3'
Protein context (NP_057361.3, residues 45-65): DFLERQIQVN[Asp55Asn]EDVRLMLWDT